The following is an entry in ClinVar:

NM_000287.4(PEX6):c.302C>T (p.Pro101Leu)

Gene: PEX6 (peroxisomal biogenesis factor 6; minus strand). Cytogenetic location: 6p21.1.
Variant type: single nucleotide variant.
Coding change: c.302C>T on transcript NM_000287.4 (MANE Select); coding-DNA position 302, C replaced by T.
Protein change: p.Pro101Leu; replaces proline 101 with leucine.
Molecular consequence: missense variant. On other transcripts: non-coding transcript variant (1).
Genome position (GRCh38, 1-based): chr6:42,978,849, G>A on the plus strand (C>T on the coding strand, the complement: PEX6 is on the minus strand). VCF-style: chr6-42978849-G-A. GRCh37 (hg19) VCF-style: chr6-42946587-G-A.
Other names: c.302C>T, p.Pro101Leu (NM_001316313.2); c.302C>T (NM_000287.3); short protein forms P101L.
Identifiers: ClinVar variation 2156614 (VCV002156614.2), dbSNP rs774813175, ClinGen allele CA138238497.

ClinVar aggregate classification (germline): Uncertain significance. Review status: criteria provided, multiple submitters, no conflicts (2 of 4 stars). 2 submissions from 2 submitters: Uncertain significance (2). Last evaluated 2025-05-20.

Conditions:
Inborn genetic diseases. Identifiers: MedGen C0950123, MeSH D030342.
Peroxisome biogenesis disorder. Identifiers: Orphanet 79189, MedGen C1832200, MONDO:0019234. Disease mechanism: loss of function.

Allele frequency attached by ClinVar (database versions not stated): TOPMed 0.00002.
gnomAD v4.1: 8 of 1,508,690 alleles (0.00053%); highest among the groups gnomAD compares: African/African-American, 0.0043%; no homozygotes.

Submissions (2):

Ambry Genetics
Classification: Uncertain significance for Inborn genetic diseases. Last evaluated: 2025-05-20. Review status: criteria provided, single submitter. Criteria: Ambry Variant Classification Scheme 2023. Collection method: clinical testing. Allele origin: germline.

Labcorp Genetics (formerly Invitae), Labcorp
Classification: Uncertain significance for Peroxisome biogenesis disorder. Last evaluated: 2021-12-26. Review status: criteria provided, single submitter. Criteria: Invitae Variant Classification Sherloc (09022015). Collection method: clinical testing. Allele origin: germline.
Comment: This sequence change replaces proline, which is neutral and non-polar, with leucine, which is neutral and non-polar, at codon 101 of the PEX6 protein (p.Pro101Leu). The frequency data for this variant in the population databases is considered unreliable, as metrics indicate poor data quality at this position in the gnomAD database. This variant has not been reported in the literature in individuals affected with PEX6-related conditions. Algorithms developed to predict the effect of missense changes on protein structure and function are either unavailable or do not agree on the potential impact of this missense change (SIFT: "Tolerated"; PolyPhen-2: "Probably Damaging"; Align-GVGD: "Class C0"). In summary, the available evidence is currently insufficient to determine the role of this variant in disease. Therefore, it has been classified as a Variant of Uncertain Significance.